The following is an entry in ClinVar:

ClinVar aggregate classification (germline): Pathogenic. Review status: criteria provided, multiple submitters, no conflicts (2 of 4 stars). 3 submissions from 3 submitters: Pathogenic (3). Last evaluated 2026-04-17.

Conditions:
Hereditary spastic paraplegia 11. Also called: Spastic paraplegia, mental retardation and thin corpus callosum; Spastic Paraplegia 11; SPASTIC PARAPLEGIA, AUTOSOMAL RECESSIVE, COMPLICATED, WITH THIN CORPUS CALLOSUM; SPASTIC PARAPLEGIA, AUTOSOMAL RECESSIVE, WITH MENTAL IMPAIRMENT AND THIN CORPUS CALLOSUM; Nakamura Osame syndrome; Autosomal recessive hereditary spastic paraplegia, mental impairment, and thin corpus callosum. Identifiers: Orphanet 2822, MedGen C1858479, MONDO:0011445, OMIM 604360.

Allele frequency attached by ClinVar (database versions not stated): gnomAD exomes below 0.00001; TOPMed below 0.00001; ExAC 0.00001.

Submissions (3):

Women's Health and Genetics/Laboratory Corporation of America, LabCorp
Classification: Pathogenic for Hereditary spastic paraplegia 11. Last evaluated: 2026-04-17. Review status: criteria provided, single submitter. Criteria: LabCorp Variant Classification Summary - May 2015. Collection method: clinical testing. Allele origin: germline.
Comment: Variant summary: SPG11 c.2444+1G>A is located in a canonical splice-site and is predicted to affect mRNA splicing resulting in a significantly altered protein due to either exon skipping, shortening, or inclusion of intronic material. Variants that disrupt the consensus splice site are a relatively common cause of aberrant splicing and loss of SPG11 function. Several computational tools predict a significant impact on normal splicing: Three predict the variant abolishes a canonical 5' splicing donor site. However, these predictions have yet to be confirmed by functional studies. The variant allele was found at a frequency of 4e-06 in 251078 control chromosomes. To our knowledge, no occurrence of c.2444+1G>A in individuals affected with SPG11-related conditions and no experimental evidence demonstrating its impact on protein function have been reported. A different pathogenic splice variant affecting the canonical splice donor site (c.2444+1G>C) has been reported in the literature in the homozygous state in at least two individuals affected with SPG11-related conditions. ClinVar contains an entry for the c.2444+1G>A variant (Variation ID: 948762). Based on the evidence outlined above, the variant was classified as pathogenic.

Variantyx, Inc.
Classification: Pathogenic for Hereditary spastic paraplegia 11. Last evaluated: 2026-01-07. Review status: criteria provided, single submitter. Criteria: Variantyx Assertion Criteria 2022. Collection method: clinical testing. Allele origin: germline. Inheritance: Autosomal recessive inheritance. Affected: yes.
Comment: This is a canonical splicing variant in the SPG11 gene (OMIM: 610844). Pathogenic variants in this gene have been associated with autosomal recessive spastic paraplegia 11. This splicing variant is expected to result in loss of function, which is a known disease mechanism for SPG11 in this disorder (PMID: 19105190, 20110243, 22154821, 26556829) (PVS1). It has been identified in the homozygous state in at least one individual reported in the published literature (PMID: 34782662) (PM3). The alteration is absent from control populations (PM2). Based on the current evidence, this variant is classified as pathogenic for autosomal recessive spastic paraplegia 11.

Labcorp Genetics (formerly Invitae), Labcorp
Classification: Pathogenic for Hereditary spastic paraplegia 11. Last evaluated: 2023-08-16. Review status: criteria provided, single submitter. Criteria: Invitae Variant Classification Sherloc (09022015). Collection method: clinical testing. Allele origin: germline.
Comment: This sequence change affects a donor splice site in intron 13 of the SPG11 gene. It is expected to disrupt RNA splicing. Variants that disrupt the donor or acceptor splice site typically lead to a loss of protein function (PMID: 16199547), and loss-of-function variants in SPG11 are known to be pathogenic (PMID: 19105190, 20110243, 22154821, 26556829). This variant is present in population databases (rs312262743, gnomAD 0.007%). For these reasons, this variant has been classified as Pathogenic. Algorithms developed to predict the effect of sequence changes on RNA splicing suggest that this variant may disrupt the consensus splice site. ClinVar contains an entry for this variant (Variation ID: 948762). Disruption of this splice site has been observed in individuals with complicated spastic paraplegia (PMID: 19105190).

Literature cited by the submitters: PubMed 19105190 (cited by Variantyx, Inc. and Labcorp Genetics (formerly Invitae), Labcorp); PubMed 20110243 (cited by Variantyx, Inc. and Labcorp Genetics (formerly Invitae), Labcorp); PubMed 22154821 (cited by Variantyx, Inc. and Labcorp Genetics (formerly Invitae), Labcorp); PubMed 26556829 (cited by Variantyx, Inc. and Labcorp Genetics (formerly Invitae), Labcorp); PubMed 34782662 (cited by Variantyx, Inc.); PubMed 16199547 (cited by Labcorp Genetics (formerly Invitae), Labcorp).

NM_025137.4(SPG11):c.2444+1G>A

Gene: SPG11 (SPG11 vesicle trafficking associated, spatacsin; minus strand). Cytogenetic location: 15q21.1.
Variant type: single nucleotide variant.
Coding change: c.2444+1G>A on transcript NM_025137.4 (MANE Select); the canonical splice donor site of the intron after coding-DNA position 2444, G replaced by A.
Molecular consequence: splice donor variant.
Genome position (GRCh38, 1-based): chr15:44,622,219, C>T on the plus strand (G>A on the coding strand, the complement: SPG11 is on the minus strand). VCF-style: chr15-44622219-C-T. GRCh37 (hg19) VCF-style: chr15-44914417-C-T.
Other names: c.2444+1G>A (NM_001411132.1, NM_001160227.2).
Identifiers: ClinVar variation 948762 (VCV000948762.12), dbSNP rs312262743, ClinGen allele CA7535255.